The following is an entry in ClinVar:

NM_005121.3(MED13):c.5757G>A (p.Pro1919=)

Gene: MED13 (mediator complex subunit 13; minus strand). Cytogenetic location: 17q23.2.
Variant type: single nucleotide variant.
Coding change: c.5757G>A on transcript NM_005121.3 (MANE Select); coding-DNA position 5757, G replaced by A.
Protein change: p.Pro1919=; no amino-acid change (proline 1919 retained).
Molecular consequence: synonymous variant.
Genome position (GRCh38, 1-based): chr17:61,955,705, C>T on the plus strand (G>A on the coding strand, the complement: MED13 is on the minus strand). VCF-style: chr17-61955705-C-T. GRCh37 (hg19) VCF-style: chr17-60033066-C-T.
Identifiers: ClinVar variation 5041068 (VCV005041068.1).

ClinVar aggregate classification (germline): Likely benign (1 of 4 stars; one submission).

gnomAD v4.1: 76 of 1,606,190 alleles (0.0047%); highest among the groups gnomAD compares: Admixed American, 0.0069%; no homozygotes.

Submission:

CeGaT Center for Human Genetics Tuebingen
Classification: Likely benign. Last evaluated: 2026-09-01. Review status: criteria provided, single submitter. Criteria: CeGaT Center For Human Genetics Tuebingen Variant Classification Criteria Version 2. Collection method: clinical testing. Allele origin: germline. Affected: yes. Observed: 1 variant allele.
Comment: MED13: BP4, BP7